The following is an entry in ClinVar:

NM_001048174.2(MUTYH):c.2T>C (p.Met1Thr)

Gene: MUTYH (mutY DNA glycosylase; minus strand). Cytogenetic location: 1p34.1.
Variant type: single nucleotide variant.
Coding change: c.2T>C on transcript NM_001048174.2 (MANE Select); coding-DNA position 2, T replaced by C.
Protein change: p.Met1Thr; changes the start codon (methionine 1).
Molecular consequence: missense variant, initiator codon variant. On other transcripts: 5 prime UTR variant (4), non-coding transcript variant (2).
Genome position (GRCh38, 1-based): chr1:45,334,504, A>G on the plus strand (T>C on the coding strand, the complement: MUTYH is on the minus strand). VCF-style: chr1-45334504-A-G. GRCh37 (hg19) VCF-style: chr1-45800176-A-G.
Other names: c.2T>C (NM_001048172.1); c.2T>C, p.Met1Thr (NM_001048171.2, NM_001048172.2, NM_001048173.2 and 2 more transcripts); c.44T>C, p.Met15Thr (NM_001128425.2, NM_001293190.2, NM_012222.3); c.-211T>C (NM_001293192.2, NM_001293196.2); c.-270T>C (NM_001350650.2); c.-206T>C (NM_001350651.2); short protein forms M15T, M1T.
Identifiers: ClinVar variation 406849 (VCV000406849.25), dbSNP rs201163858, ClinGen allele CA057589.

ClinVar aggregate classification (germline): Conflicting classifications of pathogenicity. Review status: criteria provided, conflicting classifications (1 of 4 stars). 8 submissions from 8 submitters: Pathogenic (1); Uncertain significance (6). 1 of the submissions does not count toward it. Last evaluated 2025-11-11.

Conditions:
MUTYH-related disorder. Also called: MUTYH-related condition; MUTYH-related disorders.
Hereditary cancer-predisposing syndrome. Also called: Hereditary neoplastic syndrome; Neoplastic Syndromes, Hereditary; Hereditary Cancer Syndrome; Tumor predisposition. Identifiers: Orphanet 140162, MedGen C0027672, MeSH D009386, MONDO:0015356.
Familial adenomatous polyposis 2. Also called: COLORECTAL ADENOMATOUS POLYPOSIS, AUTOSOMAL RECESSIVE; ADENOMAS, MULTIPLE COLORECTAL, AUTOSOMAL RECESSIVE; MUTYH-related attenuated familial adenomatous polyposis; MYH-associated polyposis; MUTYH Polyposis; FAP type 2. Identifiers: Orphanet 220460, Orphanet 247798, MedGen C3272841, MONDO:0012041, OMIM 608456.

Allele frequency attached by ClinVar (database versions not stated): gnomAD exomes below 0.00001 and 0.00001; ExAC 0.00001; gnomAD 0.00001; 1000 Genomes Project 30x 0.00016; 1000 Genomes Project 0.00020.

Submissions (8):

Labcorp Genetics (formerly Invitae), Labcorp
Classification: Uncertain significance for Familial adenomatous polyposis 2. Last evaluated: 2025-11-11. Review status: criteria provided, single submitter. Criteria: Invitae Variant Classification Sherloc (09022015). Collection method: clinical testing. Allele origin: germline.
Comment: This sequence change replaces methionine, which is neutral and non-polar, with threonine, which is neutral and polar, at codon 15 of the MUTYH protein (p.Met15Thr). This variant is present in population databases (rs201163858, gnomAD 0.006%). This variant has not been reported in the literature in individuals affected with MUTYH-related conditions. ClinVar contains an entry for this variant (Variation ID: 406849). An algorithm developed to predict the effect of missense changes on protein structure and function (PolyPhen-2) suggests that this variant is likely to be tolerated. This variant disrupts the p.Met15 amino acid residue in MUTYH. Other variant(s) that disrupt this residue have been determined to be pathogenic (PMID: 24691292). This suggests that this residue is clinically significant, and that variants that disrupt this residue are likely to be disease-causing. In summary, the available evidence is currently insufficient to determine the role of this variant in disease. Therefore, it has been classified as a Variant of Uncertain Significance.

All of Us Research Program, National Institutes of Health
Classification: Uncertain significance for Familial adenomatous polyposis 2. Last evaluated: 2024-09-23. Review status: criteria provided, single submitter. Criteria: ACMG Guidelines, 2015. Collection method: clinical testing. Allele origin: germline. Inheritance: Autosomal recessive inheritance. Observed: 5 variant alleles, 5 heterozygotes.
Comment: This missense variant replaces methionine with threonine at codon 15 of the MUTYH protein. Computational prediction suggests that this variant may not impact protein structure and function (internally defined REVEL score threshold <= 0.5, PMID: 27666373). To our knowledge, functional studies have not been reported for this variant. This variant has been reported in an individual affected with breast cancer (PMID: 33471991). This variant has been identified in 2/251474 chromosomes in the general population by the Genome Aggregation Database (gnomAD). The available evidence is insufficient to determine the role of this variant in disease conclusively. Therefore, this variant is classified as a Variant of Uncertain Significance.

This study involves interpretation of variants in research participants for the purpose of population health screening. Participant phenotype was not available at the time of variant classification. Additional details can be found in publication PMID: 35346344, PMCID: PMC8962531

Color Diagnostics, LLC DBA Color Health
Classification: Uncertain significance for Hereditary cancer-predisposing syndrome. Last evaluated: 2023-04-18. Review status: criteria provided, single submitter. Criteria: ACMG Guidelines, 2015. Collection method: clinical testing. Allele origin: germline.
Comment: This missense variant replaces methionine with threonine at codon 15 of the MUTYH protein. Computational prediction suggests that this variant may not impact protein structure and function (internally defined REVEL score threshold <= 0.5, PMID: 27666373). To our knowledge, functional studies have not been reported for this variant. This variant has been reported in an individual affected with breast cancer (PMID: 33471991). This variant has been identified in 2/251474 chromosomes in the general population by the Genome Aggregation Database (gnomAD). The available evidence is insufficient to determine the role of this variant in disease conclusively. Therefore, this variant is classified as a Variant of Uncertain Significance.

Ambry Genetics
Classification: Pathogenic for Hereditary cancer-predisposing syndrome. Last evaluated: 2023-04-15. Review status: criteria provided, single submitter. Criteria: Ambry Variant Classification Scheme 2023. Collection method: clinical testing. Allele origin: germline.
Comment: The p.M15T pathogenic mutation (also known as c.44T>C), located in coding exon 2 of the MUTYH gene, results from a T to C substitution at nucleotide position 44. The methionine at codon 15 is replaced by threonine, an amino acid with similar properties. This variant has been identified with a second MUTYH pathogenic variant in multiple individuals with clinical features of MUTYH-associated polyposis (Ambry internal data). Another alteration at the same codon, p.M15V, has been reported as co-occurring with a pathogenic MUTYH mutation in three siblings with colorectal cancer in their forties and a history of multiple adenomas in their fifties and sixties (Segu&iacute; N et al. Gut. 2015 Feb;64:355-6). This amino acid position is highly conserved in available vertebrate species. In addition, this alteration is predicted to be deleterious by in silico analysis. This variant is considered to be rare based on population cohorts in the Genome Aggregation Database (gnomAD). Based on the supporting evidence, this alteration is interpreted as a disease-causing mutation.

Baylor Genetics
Classification: Uncertain significance for Familial adenomatous polyposis 2. Last evaluated: 2021-07-13. Review status: criteria provided, single submitter. Criteria: ACMG Guidelines, 2015. Collection method: clinical testing. Allele origin: unknown. Affected: yes. Study: CSER-TexasKidsCanSeq.
Comment: This variant was determined to be of uncertain significance according to ACMG Guidelines, 2015 [PMID:25741868].

Quest Diagnostics Nichols Institute San Juan Capistrano
Classification: Uncertain significance. Last evaluated: 2021-04-20. Review status: criteria provided, single submitter. Criteria: Quest Diagnostics criteria. Collection method: clinical testing. Allele origin: unknown.

GeneDx
Classification: Uncertain significance. Last evaluated: 2018-02-20. Review status: criteria provided, single submitter. Criteria: GeneDx Variant Classification (06012015). Collection method: clinical testing. Allele origin: germline. Affected: yes.
Comment: This variant is denoted MUTYH c.44T>C at the cDNA level, p.Met15Thr (M15T) at the protein level, and results in the change of a Methionine to a Threonine (ATG>ACG). This variant has not, to our knowledge, been published in the literature as pathogenic or benign. MUTYH Met15Thr was not observed at a significant allele frequency in large population cohorts (Lek 2016). This variant is located within the RPA binding domain (Ruggieri 2013). In silico analysis, which includes protein predictors and evolutionary conservation, supports a deleterious effect. Based on currently available evidence, it is unclear whether MUTYH Met15Thr is a pathogenic or benign variant. We consider it to be a variant of uncertain significance. Of note, MUTYH-Associated Polyposis (MAP) is a recessive condition associated with two MUTYH pathogenic variants on opposite chromosomes.

PreventionGenetics, part of Exact Sciences
Classification: Uncertain significance for MUTYH-related condition. Last evaluated: 2024-05-08. Review status: no assertion criteria provided. Collection method: clinical testing. Allele origin: germline. Not counted in ClinVar's aggregate classification.
Comment: The MUTYH c.2T>C variant is predicted to disrupt the translation initiation site (Start loss). In an alternate transcript (NM_001128425.1), this variant is also known as c.44T>C (p.Met15Thr). This variant was reported in an individual with breast cancer (Breast Cancer Association Consortium et al 2021. PubMed ID: 33471991). This variant has also been identified with second MUTYH pathogenic variant in a family with colorectal cancer (Seguí N et al 2014. PubMed ID: 24691292). In vitro functional studies showed that this variant disrupts the start codon of the two transcripts that encode the nuclear MUTYH isoforms, but does not result in complete loss of mRNA expression (Seguí N et al 2014. PubMed ID: 24691292). This variant is reported in 0.0058% of alleles in individuals of Latino descent in gnomAD and has conflicting interpretations regarding its pathogenicity in ClinVar, ranging from uncertain to pathogenic. Although we suspect that this variant may be pathogenic, at this time, the clinical significance of this variant is uncertain due to the absence of conclusive functional and genetic evidence.

Literature cited by the submitters: PubMed 24691292 (cited by Labcorp Genetics (formerly Invitae), Labcorp and Ambry Genetics); PubMed 33471991 (cited by 3 submitters).